The following is an entry in ClinVar:

NM_000073.3(CD3G):c.496C>T (p.Arg166Ter)

Gene: CD3G (CD3 gamma subunit of T-cell receptor complex; plus strand). Cytogenetic location: 11q23.3.
Variant type: single nucleotide variant.
Coding change: c.496C>T on transcript NM_000073.3 (MANE Select); coding-DNA position 496, C replaced by T.
Protein change: p.Arg166Ter; replaces arginine 166 with a stop codon.
Molecular consequence: nonsense.
Genome position (GRCh38, 1-based): chr11:118,352,416, C>T. VCF-style: chr11-118352416-C-T. GRCh37 (hg19) VCF-style: chr11-118223131-C-T.
Other names: short protein forms R166*.
Identifiers: ClinVar variation 1457956 (VCV001457956.5), dbSNP rs201529449, ClinGen allele CA382794553.

ClinVar aggregate classification (germline): Pathogenic (1 of 4 stars; one submission).

Conditions:
Combined immunodeficiency due to CD3gamma deficiency. Also called: Immunodeficiency 17; CD3-GAMMA DEFICIENCY; SCID-LIKE IMMUNODEFICIENCY, T CELL-PARTIAL, B CELL-POSITIVE, NK CELL-POSITIVE; Immunodeficiency 17, CD3 gamma deficient. Identifiers: Orphanet 169082, MedGen C3810107, MONDO:0014276, OMIM 615607.

Submission:

Labcorp Genetics (formerly Invitae), Labcorp
Classification: Pathogenic for Combined immunodeficiency due to CD3gamma deficiency. Last evaluated: 2026-01-24. Review status: criteria provided, single submitter. Criteria: Invitae Variant Classification Sherloc (09022015). Collection method: clinical testing. Allele origin: germline.
Comment: This sequence change creates a premature translational stop signal (p.Arg166*) in the CD3G gene. It is expected to result in an absent or disrupted protein product. Loss-of-function variants in CD3G are known to be pathogenic (PMID: 1635567, 17277165, 24910257). This variant is present in population databases (no rsID available, gnomAD 0.006%). This variant has not been reported in the literature in individuals affected with CD3G-related conditions. ClinVar contains an entry for this variant (Variation ID: 1457956). For these reasons, this variant has been classified as Pathogenic.

Literature cited by the submitters: PubMed 1635567; PubMed 17277165; PubMed 24910257.